The following is an entry in ClinVar:

NM_000548.5(TSC2):c.223G>C (p.Glu75Gln)

Gene: TSC2 (TSC complex subunit 2; plus strand). Cytogenetic location: 16p13.3.
Variant type: single nucleotide variant.
Coding change: c.223G>C on transcript NM_000548.5 (MANE Select); coding-DNA position 223, G replaced by C.
Protein change: p.Glu75Gln; replaces glutamic acid 75 with glutamine.
Molecular consequence: missense variant. On other transcripts: 5 prime UTR variant (1).
Genome position (GRCh38, 1-based): chr16:2,050,484, G>C. VCF-style: chr16-2050484-G-C. GRCh37 (hg19) VCF-style: chr16-2100485-G-C.
Other names: c.223G>C, p.Glu75Gln (NM_001077183.3, NM_001114382.3, NM_001318827.2 and 4 more transcripts); c.76G>C, p.Glu26Gln (NM_001318829.2); c.-4G>C (NM_001318831.2); c.256G>C, p.Glu86Gln (NM_001318832.2); short protein forms E86Q, E75Q, E26Q.
Identifiers: ClinVar variation 1046676 (VCV001046676.9), dbSNP rs145470784, ClinGen allele CA394303644.

ClinVar aggregate classification (germline): Uncertain significance (1 of 4 stars; one submission).

Conditions:
Tuberous sclerosis 2 (TSC2). Identifiers: Orphanet 805, MedGen C1860707, MONDO:0013199, OMIM 613254.

gnomAD v4.1: 1 of 1,613,534 alleles (0.000062%); highest among the groups gnomAD compares: Non-Finnish European, 0.000085%; no homozygotes.

Submission:

Labcorp Genetics (formerly Invitae), Labcorp
Classification: Uncertain significance for Tuberous sclerosis 2. Last evaluated: 2023-10-30. Review status: criteria provided, single submitter. Criteria: Invitae Variant Classification Sherloc (09022015). Collection method: clinical testing. Allele origin: germline.
Comment: This sequence change replaces glutamic acid, which is acidic and polar, with glutamine, which is neutral and polar, at codon 75 of the TSC2 protein (p.Glu75Gln). This variant is not present in population databases (gnomAD no frequency). This variant has not been reported in the literature in individuals affected with TSC2-related conditions. ClinVar contains an entry for this variant (Variation ID: 1046676). An algorithm developed to predict the effect of missense changes on protein structure and function (PolyPhen-2) suggests that this variant is likely to be tolerated. In summary, the available evidence is currently insufficient to determine the role of this variant in disease. Therefore, it has been classified as a Variant of Uncertain Significance.